The following is an entry in ClinVar:

ClinVar aggregate classification (germline): Uncertain significance (1 of 4 stars; one submission).

Conditions:
Perlman syndrome (PRLMNS). Identifiers: Orphanet 2849, MedGen C0796113, MONDO:0009965, OMIM 267000.

Submission:

Labcorp Genetics (formerly Invitae), Labcorp
Classification: Uncertain significance for Perlman syndrome. Last evaluated: 2018-05-30. Review status: criteria provided, single submitter. Criteria: Invitae Variant Classification Sherloc (09022015). Collection method: clinical testing. Allele origin: germline.
Comment: This sequence change replaces histidine with asparagine at codon 243 of the DIS3L2 protein (p.His243Asn). The histidine residue is moderately conserved and there is a small physicochemical difference between histidine and asparagine. This variant is not present in population databases (ExAC no frequency). This variant has not been reported in the literature in individuals with DIS3L2-related disease. Algorithms developed to predict the effect of missense changes on protein structure and function are either unavailable or do not agree on the potential impact of this missense change (SIFT: "Tolerated"; PolyPhen-2: "Possibly Damaging"; Align-GVGD: "Class C0"). In summary, the available evidence is currently insufficient to determine the role of this variant in disease. Therefore, it has been classified as a Variant of Uncertain Significance.

NM_152383.5(DIS3L2):c.727C>A (p.His243Asn)

Gene: DIS3L2 (DIS3 like 3'-5' exoribonuclease 2; plus strand). Cytogenetic location: 2q37.1.
Variant type: single nucleotide variant.
Coding change: c.727C>A on transcript NM_152383.5 (MANE Select); coding-DNA position 727, C replaced by A.
Protein change: p.His243Asn; replaces histidine 243 with asparagine.
Molecular consequence: missense variant. On other transcripts: non-coding transcript variant (1).
Genome position (GRCh38, 1-based): chr2:232,136,496, C>A. VCF-style: chr2-232136496-C-A. GRCh37 (hg19) VCF-style: chr2-233001206-C-A.
Other names: c.727C>A, p.His243Asn (NM_001257281.2); short protein forms H243N.
Identifiers: ClinVar variation 1063591 (VCV001063591.9), dbSNP rs2106355278, ClinGen allele CA351153462.